The following is an entry in ClinVar:

NM_001204.7(BMPR2):c.1512T>G (p.Leu504=)

Gene: BMPR2 (bone morphogenetic protein receptor type 2; plus strand). Cytogenetic location: 2q33.2.
Variant type: single nucleotide variant.
Coding change: c.1512T>G on transcript NM_001204.7 (MANE Select); coding-DNA position 1512, T replaced by G.
Protein change: p.Leu504=; no amino-acid change (leucine 504 retained).
Molecular consequence: synonymous variant.
Genome position (GRCh38, 1-based): chr2:202,552,814, T>G. VCF-style: chr2-202552814-T-G. GRCh37 (hg19) VCF-style: chr2-203417537-T-G.
Other names: NM_001204.7(BMPR2):c.1512T>G; p.Leu504=.
Identifiers: ClinVar variation 898481 (VCV000898481.12), dbSNP rs777417397, ClinGen allele CA2061382.

ClinVar aggregate classification (germline): Likely benign. Review status: reviewed by expert panel (3 of 4 stars). 3 submissions from 3 submitters: Likely benign (1). 2 of the submissions do not count toward it. Last evaluated 2024-05-02.

Conditions:
Pulmonary arterial hypertension. Identifiers: Orphanet 182090, MedGen C2973725, MeSH D000081029, MONDO:0015924, HP:0002092.
Primary pulmonary hypertension. Also called: Idiopathic pulmonary hypertension. Identifiers: MedGen C0152171.
Pulmonary hypertension, primary, 1 (PPH1). Also called: Pulmonary hypertension, familial primary, 1, with or without HHT. Identifiers: Orphanet 422, MedGen C4552070, MONDO:0024533, OMIM 178600.

Allele frequency attached by ClinVar (database versions not stated): gnomAD exomes 0.00003 and 0.00002; ExAC 0.00001; gnomAD 0.00002; TOPMed 0.00002.
gnomAD v4.1: 58 of 1,614,046 alleles (0.0036%); highest among the groups gnomAD compares: Non-Finnish European, 0.0042%; no homozygotes.

Submissions (3):

Clingen Pulmonary Hypertension Variant Curation Expert Panel, ClinGen
Classification: Likely benign for Pulmonary arterial hypertension. Last evaluated: 2024-05-02. Review status: reviewed by expert panel. Criteria: ClinGen PH ACMG Specifications BMPR2 V1.1.0. Collection method: curation. Allele origin: germline. Inheritance: Autosomal dominant inheritance.
Comment: The BMPR2 c.1512T>G;p.(leu504=) variant is a synonymous (silent) variant that is not predicted by SpliceAI to impact splicing. The highest population minor allele frequency in gnomAD v2.1.1 controls is 0.0138% (2/14452 alleles) in the North-Western European population, which is lower than the ClinGen Pulmonary Hypertension VCEP threshold of >0.1% for BS1 and >1% for BA1, but higher than the threshold of <0.01% for PM2 (BS1, BA1 and PM2 are not met). BS2 was not met as the variant was not observed as a homozygous allele in gnomAD v2.1.1 controls. BP4 is met based on the computational predictor, CADD, giving a score of 8.3 which is below the threshold of <=10.0 for BP4. Due to the absence of segregation data, PP1, PM6 and PS2 could not be evaluated. Due to absence of functional data, BS3 and PS3 could not be evaluated. In summary, the variant meets the criteria to be classified as a likely benign variant for pulmonary arterial hypertension based on the ACMG/AMP criteria applied, as specified by the ClinGen Pulmonary Hypertension VCEP: BP4, BP7 (VCEP specification version 1.1, 1/18/2024).

Labcorp Genetics (formerly Invitae), Labcorp
Classification: Likely benign for Primary pulmonary hypertension. Last evaluated: 2025-09-05. Review status: criteria provided, single submitter. Criteria: Invitae Variant Classification Sherloc (09022015). Collection method: clinical testing. Allele origin: germline. Not counted in ClinVar's aggregate classification.

Illumina Laboratory Services, Illumina
Classification: Uncertain significance for Pulmonary hypertension, primary, 1. Last evaluated: 2018-01-13. Review status: criteria provided, single submitter. Criteria: ICSL Variant Classification Criteria 13 December 2019. Collection method: clinical testing. Allele origin: germline. Not counted in ClinVar's aggregate classification.